The following is an entry in ClinVar:

NM_033124.5(DRC2):c.1429G>A (p.Gly477Ser)

Gene: DRC2 (dynein regulatory complex subunit 2; plus strand). Cytogenetic location: 12q13.12.
Variant type: single nucleotide variant.
Coding change: c.1429G>A on transcript NM_033124.5 (MANE Select); coding-DNA position 1429, G replaced by A.
Protein change: p.Gly477Ser; replaces glycine 477 with serine.
Molecular consequence: missense variant.
Genome position (GRCh38, 1-based): chr12:48,921,417, G>A. VCF-style: chr12-48921417-G-A. GRCh37 (hg19) VCF-style: chr12-49315200-G-A.
Other names: c.1000G>A, p.Gly334Ser (NM_001286957.2); short protein forms G477S, G334S.
Identifiers: ClinVar variation 416601 (VCV000416601.39), dbSNP rs117927481, ClinGen allele CA6543516.

ClinVar aggregate classification (germline): Benign/Likely benign. Review status: criteria provided, multiple submitters, no conflicts (2 of 4 stars). 6 submissions from 6 submitters: Benign (1); Likely benign (5). Last evaluated 2026-02-01.

Conditions:
Primary ciliary dyskinesia 27. Also called: CILIARY DYSKINESIA, PRIMARY, 27, WITHOUT SITUS INVERSUS. Identifiers: Orphanet 244, MedGen C3809701, MONDO:0014215, OMIM 615504.

Allele frequency attached by ClinVar (database versions not stated): 1000 Genomes Project 30x 0.00359; 1000 Genomes Project 0.00379; TOPMed 0.00562; gnomAD 0.00590 and 0.00609; gnomAD exomes 0.00611; ExAC 0.00656; ESP Exome Variant Server 0.00723.
gnomAD v4.1: 11,551 of 1,610,356 alleles (0.72%); highest among the groups gnomAD compares: Non-Finnish European, 0.85%; 51 homozygotes.

Submissions (6):

Labcorp Genetics (formerly Invitae), Labcorp
Classification: Benign for Primary ciliary dyskinesia 27. Last evaluated: 2026-02-01. Review status: criteria provided, single submitter. Criteria: Invitae Variant Classification Sherloc (09022015). Collection method: clinical testing. Allele origin: germline.

CeGaT Center for Human Genetics Tuebingen
Classification: Likely benign. Last evaluated: 2026-01-01. Review status: criteria provided, single submitter. Criteria: CeGaT Center For Human Genetics Tuebingen Variant Classification Criteria Version 2. Collection method: clinical testing. Allele origin: germline. Affected: yes. Observed: 3 variant alleles.
Comment: DRC2: BP4, BS2

Blueprint Genetics
Classification: Likely benign. Last evaluated: 2024-11-27. Review status: criteria provided, single submitter. Criteria: ACMG Guidelines, 2015. Collection method: clinical testing. Allele origin: germline.

ARUP Laboratories, Molecular Genetics and Genomics, ARUP Laboratories
Classification: Likely benign for Primary ciliary dyskinesia 27. Last evaluated: 2024-11-16. Review status: criteria provided, single submitter. Criteria: ARUP Molecular Germline Variant Investigation Process 2024. Collection method: clinical testing. Allele origin: germline.

GeneDx
Classification: Likely benign. Last evaluated: 2020-10-21. Review status: criteria provided, single submitter. Criteria: GeneDx Variant Classification Process June 2021. Collection method: clinical testing. Allele origin: germline. Affected: yes.

Breakthrough Genomics
Classification: Likely benign. Review status: criteria provided, single submitter. Criteria: ACMG Guidelines, 2015. Collection method: not provided. Allele origin: germline. Inheritance: Autosomal recessive inheritance. Affected: yes.